The following is an entry in ClinVar:

NM_022437.3(ABCG8):c.328G>A (p.Gly110Arg)

Gene: ABCG8 (ATP binding cassette subfamily G member 8; plus strand). Cytogenetic location: 2p21.
Variant type: single nucleotide variant.
Coding change: c.328G>A on transcript NM_022437.3 (MANE Select); coding-DNA position 328, G replaced by A.
Protein change: p.Gly110Arg; replaces glycine 110 with arginine.
Molecular consequence: missense variant.
Genome position (GRCh38, 1-based): chr2:43,851,589, G>A. VCF-style: chr2-43851589-G-A. GRCh37 (hg19) VCF-style: chr2-44078728-G-A.
Other names: c.328G>A, p.Gly110Arg (NM_001357321.2); short protein forms G110R.
Identifiers: ClinVar variation 5006292 (VCV005006292.2).

ClinVar aggregate classification (germline): Uncertain significance (1 of 4 stars; one submission).

Conditions:
Gallbladder disease 4 (GBD4). Identifiers: MedGen C1969115, MONDO:1010151, OMIM 611465.
Sitosterolemia 1. Identifiers: MedGen C2749759, MONDO:0020747, OMIM 210250.

gnomAD v4.1: 9 of 1,614,208 alleles (0.00056%); highest among the groups gnomAD compares: East Asian, 0.018%; no homozygotes.

Submission:

Juno Genomics, Hangzhou Juno Genomics, Inc
Classification: Uncertain significance for Gallbladder disease 4; Sitosterolemia 1. Review status: criteria provided, single submitter. Criteria: ACMG Guidelines, 2015. Collection method: clinical testing. Allele origin: germline.
Comment: Absent from controls (or at extremely low frequency if recessive) in Genome Aggregation Database.;Multiple lines of computational evidence support a deleterious effect on the gene or gene product.